The following is an entry in ClinVar:

ClinVar aggregate classification (germline): Uncertain significance. Review status: criteria provided, multiple submitters, no conflicts (2 of 4 stars). 2 submissions from 2 submitters: Uncertain significance (2). Last evaluated 2025-11-23.

Conditions:
Mosaic variegated aneuploidy syndrome 1 (MVA1). Also called: Warburton-Anyane-Yeboa syndrome. Identifiers: Orphanet 1052, MedGen C1850343, MONDO:0009759, OMIM 257300.
Inborn genetic diseases. Identifiers: MedGen C0950123, MeSH D030342.

Allele frequency attached by ClinVar (database versions not stated): gnomAD exomes below 0.00001.
gnomAD v4.1: 1 of 1,613,958 alleles (0.000062%); highest among the groups gnomAD compares: South Asian, 0.0011%; no homozygotes.

Submissions (2):

Labcorp Genetics (formerly Invitae), Labcorp
Classification: Uncertain significance for Mosaic variegated aneuploidy syndrome 1. Last evaluated: 2025-11-23. Review status: criteria provided, single submitter. Criteria: Invitae Variant Classification Sherloc (09022015). Collection method: clinical testing. Allele origin: germline.
Comment: This sequence change replaces isoleucine, which is neutral and non-polar, with valine, which is neutral and non-polar, at codon 869 of the BUB1B protein (p.Ile869Val). This variant is not present in population databases (gnomAD no frequency). This variant has not been reported in the literature in individuals affected with BUB1B-related conditions. ClinVar contains an entry for this variant (Variation ID: 654331). An algorithm developed to predict the effect of missense changes on protein structure and function outputs the following: PolyPhen-2: "Benign". The valine amino acid residue is found in multiple mammalian species, which suggests that this missense change does not adversely affect protein function. In summary, the available evidence is currently insufficient to determine the role of this variant in disease. Therefore, it has been classified as a Variant of Uncertain Significance.

Ambry Genetics
Classification: Uncertain significance for Inborn genetic diseases. Last evaluated: 2024-02-25. Review status: criteria provided, single submitter. Criteria: Ambry Variant Classification Scheme 2023. Collection method: clinical testing. Allele origin: germline.
Comment: The p.I869V variant (also known as c.2605A>G), located in coding exon 20 of the BUB1B gene, results from an A to G substitution at nucleotide position 2605. The isoleucine at codon 869 is replaced by valine, an amino acid with highly similar properties. This amino acid position is conserved. In addition, this alteration is predicted to be tolerated by in silico analysis. Based on the available evidence, the clinical significance of this alteration remains unclear.

NM_001211.6(BUB1B):c.2605A>G (p.Ile869Val)

Gene: BUB1B (BUB1 mitotic checkpoint serine/threonine kinase B; plus strand). Cytogenetic location: 15q15.1.
Variant type: single nucleotide variant.
Coding change: c.2605A>G on transcript NM_001211.6 (MANE Select); coding-DNA position 2605, A replaced by G.
Protein change: p.Ile869Val; replaces isoleucine 869 with valine.
Molecular consequence: missense variant.
Genome position (GRCh38, 1-based): chr15:40,213,401, A>G. VCF-style: chr15-40213401-A-G. GRCh37 (hg19) VCF-style: chr15-40505602-A-G.
Other names: short protein forms I869V.
Identifiers: ClinVar variation 654331 (VCV000654331.11), dbSNP rs1595535434, ClinGen allele CA391686252.
Genomic context (GRCh38, chr15:40,213,401, plus strand): 5'-CAACACAGTGAATATATTACCCATGAAATAACAGTGTTGATTATTTATAACCTTTTGACA[A>G]TAGTGGAGATGCTACACAAAGCAGAAATAGTCCATGGTGACTTGAGTCCAAGGTGTCTGA-3'
Protein context (NP_001202.5, residues 859-879): TVLIIYNLLT[Ile869Val]VEMLHKAEIV